The following is an entry in ClinVar:

ClinVar aggregate classification (germline): Likely benign (1 of 4 stars; one submission).

gnomAD v4.1: 16 of 1,613,904 alleles (0.00099%); highest among the groups gnomAD compares: Middle Eastern, 0.016%; no homozygotes.

Submission:

CeGaT Center for Human Genetics Tuebingen
Classification: Likely benign. Last evaluated: 2025-02-01. Review status: criteria provided, single submitter. Criteria: CeGaT Center For Human Genetics Tuebingen Variant Classification Criteria Version 2. Collection method: clinical testing. Allele origin: germline. Affected: yes. Observed: 2 variant alleles.
Comment: FGFR1: BP4, BP7

NM_023110.3(FGFR1):c.936+21C>T

Gene: FGFR1 (fibroblast growth factor receptor 1; minus strand). Cytogenetic location: 8p11.23.
Variant type: single nucleotide variant.
Coding change: c.936+21C>T on transcript NM_023110.3 (MANE Select); 21 bases into the intron after coding-DNA position 936, C replaced by T.
Molecular consequence: intron variant.
Genome position (GRCh38, 1-based): chr8:38,424,488, G>A on the plus strand (C>T on the coding strand, the complement: FGFR1 is on the minus strand). VCF-style: chr8-38424488-G-A. GRCh37 (hg19) VCF-style: chr8-38282006-G-A.
Other names: c.663+21C>T (NM_001354368.2, NM_001354370.2, NM_023106.3); c.669+21C>T (NM_023105.3, NM_001174066.2); c.930+21C>T (NM_001354367.2, NM_015850.4, NM_001354369.2 and 2 more transcripts); c.936+21C>T (NM_001174063.2); c.912+21C>T (NM_001174064.2); c.1029+21C>T (NM_001174067.2).
Identifiers: ClinVar variation 3771305 (VCV003771305.13).
Genomic context (GRCh38, chr8:38,424,488, plus strand): 5'-CCTGCCCACAGGAACTTGAGCCCCCGAGACAGTGGTCTCCTTCCCAGTAGACTGGCCCAC[G>A]AAGACTGGTGCCATGATTACCTTCAAGATCTGGACATAAGGCAGGTTGTCTGGGCCAATC-3'